The following is an entry in ClinVar:

ClinVar aggregate classification (germline): Uncertain significance (1 of 4 stars; one submission).

Allele frequency attached by ClinVar (database versions not stated): gnomAD exomes below 0.00001; gnomAD 0.00002.
gnomAD v4.1: 8 of 1,609,240 alleles (0.0005%); highest among the groups gnomAD compares: Admixed American, 0.005%; no homozygotes.

Submission:

Ambry Genetics
Classification: Uncertain significance. Last evaluated: 2023-11-15. Review status: criteria provided, single submitter. Criteria: Ambry Variant Classification Scheme 2023. Collection method: clinical testing. Allele origin: germline.
Comment: The p.L34F variant (also known as c.100C>T), located in coding exon 1 of the POLQ gene, results from a C to T substitution at nucleotide position 100. The leucine at codon 34 is replaced by phenylalanine, an amino acid with highly similar properties. This amino acid position is conserved. In addition, this alteration is predicted to be tolerated by in silico analysis. Since supporting evidence is limited at this time, the clinical significance of this alteration remains unclear.

NM_199420.4(POLQ):c.100C>T (p.Leu34Phe)

Genes: POLQ (DNA polymerase theta; minus strand), LOC112872292 (Sharpr-MPRA regulatory region 30; plus strand). Cytogenetic location: 3q13.33.
Variant type: single nucleotide variant.
Coding change: c.100C>T on transcript NM_199420.4 (MANE Select); coding-DNA position 100, C replaced by T.
Protein change: p.Leu34Phe; replaces leucine 34 with phenylalanine.
Molecular consequence: missense variant.
Genome position (GRCh38, 1-based): chr3:121,545,778, G>A on the plus strand (C>T on the coding strand, the complement: POLQ is on the minus strand). VCF-style: chr3-121545778-G-A. GRCh37 (hg19) VCF-style: chr3-121264625-G-A.
Other names: short protein forms L34F.
Identifiers: ClinVar variation 1796188 (VCV001796188.2), dbSNP rs913615288, ClinGen allele CA81838153.